The following is an entry in ClinVar:

ClinVar aggregate classification (germline): Uncertain significance (1 of 4 stars; one submission).

Conditions:
SHANK3-related disorder. Also called: SHANK3-related condition.

Submission:

PreventionGenetics, part of Exact Sciences
Classification: Uncertain significance for SHANK3-related condition. Last evaluated: 2026-06-29. Review status: criteria provided, single submitter. Criteria: ACMG Guidelines, 2015. Collection method: clinical testing. Allele origin: germline.
Comment: The SHANK3 c.3004G>A variant is predicted to result in the amino acid substitution p.Gly1002Ser. To our knowledge, this variant has not been reported in the literature or in a large population database (gnomAD), indicating this variant is rare. At this time, the clinical significance of this variant is uncertain due to the absence of conclusive functional and genetic evidence.

NM_001372044.2(SHANK3):c.3229G>A (p.Gly1077Ser)

Gene: SHANK3 (SH3 and multiple ankyrin repeat domains 3; plus strand). Cytogenetic location: 22q13.33.
Variant type: single nucleotide variant.
Coding change: c.3229G>A on transcript NM_001372044.2 (MANE Select); coding-DNA position 3229, G replaced by A.
Protein change: p.Gly1077Ser; replaces glycine 1077 with serine.
Molecular consequence: missense variant.
Genome position (GRCh38, 1-based): chr22:50,720,837, G>A. VCF-style: chr22-50720837-G-A. GRCh37 (hg19) VCF-style: chr22-51159265-G-A.
Other names: c.3004G>A (NM_033517.1); short protein forms G1077S.
Identifiers: ClinVar variation 4992284 (VCV004992284.1).
Genomic context (GRCh38, chr22:50,720,837, plus strand): 5'-GCCCGCGAGCCCTCCCCGACCCACCGCGGTCCGCGCCCGGGTGGCCTCGACTACGGCGCG[G>A]GCGATGGCCCGGGGCTCGCGTTCGGCGGCCCGGGCCCGGCCAAGGACCGGCGGCTGGAGG-3'
Protein context (NP_001358973.1, residues 1067-1087): PRPGGLDYGA[Gly1077Ser]DGPGLAFGGP